The following is an entry in ClinVar:

NM_006907.4(PYCR1):c.67+2T>A

Gene: PYCR1 (pyrroline-5-carboxylate reductase 1; minus strand). Cytogenetic location: 17q25.3.
Variant type: single nucleotide variant.
Coding change: c.67+2T>A on transcript NM_006907.4 (MANE Select); the canonical splice donor site of the intron after coding-DNA position 67, T replaced by A.
Molecular consequence: splice donor variant.
Genome position (GRCh38, 1-based): chr17:81,936,746, A>T on the plus strand (T>A on the coding strand, the complement: PYCR1 is on the minus strand). VCF-style: chr17-81936746-A-T. GRCh37 (hg19) VCF-style: chr17-79894622-A-T.
Other names: c.67+2T>A (NM_001282279.2, NM_001330523.2, NM_001282280.2 and 1 more transcripts); c.148+2T>A (NM_001282281.2).
Identifiers: ClinVar variation 996064 (VCV000996064.4), dbSNP rs2041207320, ClinGen allele CA401541029.

ClinVar aggregate classification (germline): Pathogenic. Review status: criteria provided, multiple submitters, no conflicts (2 of 4 stars). 2 submissions from 2 submitters: Pathogenic (2).

Conditions:
Autosomal recessive cutis laxa type 2B (ARCL2B). Also called: CUTIS LAXA, AUTOSOMAL RECESSIVE, TYPE IIB; CUTIS LAXA WITH PROGEROID FEATURES. Identifiers: Orphanet 357064, MedGen C2751987, MONDO:0013051, OMIM 612940. Disease mechanism: loss of function.
PYCR1- related autosomal recessive cutis laxa.

Submissions (2):

Division of Biology and Genetics, University of Brescia
Classification: Pathogenic for Autosomal recessive cutis laxa type 2B. Review status: criteria provided, single submitter. Criteria: ACMG Guidelines, 2015. Collection method: clinical testing. Allele origin: maternal. Inheritance: Autosomal recessive inheritance. Affected: yes. Observed: 1 variant allele, 1 compound heterozygote.

Kasturba Medical College, Manipal, Kasturba Medical College, Manipal, Manipal Academy of Higher Education, Manipal, India
Classification: Pathogenic for PYCR1- related autosomal recessive cutis laxa. Review status: criteria provided, single submitter. Criteria: ACMG Guidelines, 2015. Collection method: clinical testing. Allele origin: biparental. Inheritance: Autosomal recessive inheritance. Affected: yes. Observed: 1 homozygote.
Comment: This canonical splice-site variant would result in aberrant splicing leading to either a truncated protein product or the mRNA of the transcript would be degraded through nonsense-mediated decay. Previously this variant, c.67+2T>A in a compound heterozygous state with another missense change in PYCR1 has been reported in a patient with PYCR1-related autosomal recessive cutis laxa (Ritelli et al, 2017).

Literature cited by the submitters: PubMed 28499588 (cited by Division of Biology and Genetics, University of Brescia).